The following is an entry in ClinVar:

ClinVar aggregate classification (germline): Benign/Likely benign. Review status: criteria provided, multiple submitters, no conflicts (2 of 4 stars). 6 submissions from 6 submitters: Benign (1); Likely benign (2). 3 of the submissions do not count toward it. Last evaluated 2026-01-23.

Conditions:
Inborn genetic diseases. Identifiers: MedGen C0950123, MeSH D030342.
CNGB1-related disorder. Also called: CNGB1-related condition.

Allele frequency attached by ClinVar (database versions not stated): gnomAD exomes 0.00012 and 0.00022; ExAC 0.00026; 1000 Genomes Project 0.00060; 1000 Genomes Project 30x 0.00062; gnomAD 0.00074 and 0.00076; ESP Exome Variant Server 0.00082; TOPMed 0.00085.
gnomAD v4.1: 292 of 1,614,154 alleles (0.018%); highest among the groups gnomAD compares: African/African-American, 0.26%; no homozygotes.

Submissions (6):

Labcorp Genetics (formerly Invitae), Labcorp
Classification: Benign. Last evaluated: 2026-01-23. Review status: criteria provided, single submitter. Criteria: Invitae Variant Classification Sherloc (09022015). Collection method: clinical testing. Allele origin: germline.

Blueprint Genetics
Classification: Likely benign. Last evaluated: 2024-10-02. Review status: criteria provided, single submitter. Criteria: ACMG Guidelines, 2015. Collection method: clinical testing. Allele origin: germline.

Ambry Genetics
Classification: Likely benign for Inborn genetic diseases. Last evaluated: 2023-12-17. Review status: criteria provided, single submitter. Criteria: Ambry Variant Classification Scheme 2023. Collection method: clinical testing. Allele origin: germline.

PreventionGenetics, part of Exact Sciences
Classification: Likely benign for CNGB1-related condition. Last evaluated: 2019-08-07. Review status: no assertion criteria provided. Collection method: clinical testing. Allele origin: germline. Not counted in ClinVar's aggregate classification.
Comment: This variant is classified as likely benign based on ACMG/AMP sequence variant interpretation guidelines (Richards et al. 2015 PMID: 25741868, with internal and published modifications).

Clinical Genetics DNA and cytogenetics Diagnostics Lab, Erasmus MC, Erasmus Medical Center
Classification: Likely benign. Review status: no assertion criteria provided. Collection method: clinical testing. Allele origin: germline. Affected: yes. Study: VKGL Data-share Consensus. Not counted in ClinVar's aggregate classification.

Clinical Genetics, Academic Medical Center
Classification: Benign. Review status: no assertion criteria provided. Collection method: clinical testing. Allele origin: germline. Affected: yes. Study: VKGL Data-share Consensus. Not counted in ClinVar's aggregate classification.

NM_001297.5(CNGB1):c.2526C>T (p.Thr842=)

Gene: CNGB1 (cyclic nucleotide gated channel subunit beta 1; minus strand). Cytogenetic location: 16q21.
Variant type: single nucleotide variant.
Coding change: c.2526C>T on transcript NM_001297.5 (MANE Select); coding-DNA position 2526, C replaced by T.
Protein change: p.Thr842=; no amino-acid change (threonine 842 retained).
Molecular consequence: synonymous variant.
Genome position (GRCh38, 1-based): chr16:57,904,842, G>A on the plus strand (C>T on the coding strand, the complement: CNGB1 is on the minus strand). VCF-style: chr16-57904842-G-A. GRCh37 (hg19) VCF-style: chr16-57938746-G-A.
Other names: c.2508C>T, p.Thr836= (NM_001286130.2); c.2526C>T (NM_001297.4).
Identifiers: ClinVar variation 1167154 (VCV001167154.16), dbSNP rs185729258, ClinGen allele CA8082943.
Genomic context (GRCh38, chr16:57,904,842, plus strand): 5'-CAGCTGGAAGACAATTTCAAAGAGTGTCTTGGGGTCAGGCAGCCCCCCGATGGTGATGAG[G>A]GTCTTCACAGCAAAGTAGTAACAGCGAATATAACTGGAGAGAGAGGAGAAAGGGAACATG-3'
Protein context (NP_001288.3, residues 832-852): YIRCYYFAVK[Thr842=]LITIGGLPDP